The following is an entry in ClinVar:

ClinVar aggregate classification (germline): Pathogenic. Review status: reviewed by expert panel (3 of 4 stars). 7 submissions from 7 submitters: Pathogenic (1). 6 of the submissions do not count toward it. Last evaluated 2016-09-08.

Conditions:
Hereditary cancer-predisposing syndrome. Also called: Tumor predisposition; Neoplastic Syndromes, Hereditary; Hereditary Cancer Syndrome; Hereditary neoplastic syndrome. Identifiers: Orphanet 140162, MedGen C0027672, MeSH D009386, MONDO:0015356.
Hereditary breast ovarian cancer syndrome. Also called: Hereditary breast and ovarian cancer syndrome (HBOC); Hereditary breast and ovarian cancer syndrome; Hereditary breast and ovarian cancer; Hereditary breast and/or ovarian cancer syndrome; Breast and ovarian cancer; BRCA1- and BRCA2-Associated Hereditary Breast and Ovarian Cancer. Identifiers: Orphanet 145, MedGen C0677776, MeSH D061325, MONDO:0003582. Disease mechanism: loss of function.
Breast-ovarian cancer, familial, susceptibility to, 1 (BROVCA1). Also called: OVARIAN CANCER, SUSCEPTIBILITY TO; BRCA1 Hereditary Breast and Ovarian Cancer. Identifiers: Orphanet 145, MedGen C2676676, MONDO:0011450, OMIM 604370. Disease mechanism: loss of function.

Allele frequency attached by ClinVar (database versions not stated): gnomAD exomes below 0.00001.
gnomAD v4.1: 1 of 1,613,110 alleles (0.000062%); highest among the groups gnomAD compares: East Asian, 0.0022%; no homozygotes.

Submissions (7):

Evidence-based Network for the Interpretation of Germline Mutant Alleles (ENIGMA)
Classification: Pathogenic for Breast-ovarian cancer, familial, susceptibility to, 1. Last evaluated: 2016-09-08. Review status: reviewed by expert panel. Criteria: ENIGMA BRCA1/2 Classification Criteria (2015). Collection method: curation. Allele origin: germline.
Comment: Variant allele predicted to encode a truncated non-functional protein.

Ambry Genetics
Classification: Pathogenic for Hereditary cancer-predisposing syndrome. Last evaluated: 2024-09-17. Review status: criteria provided, single submitter. Criteria: Ambry Variant Classification Scheme 2023. Collection method: clinical testing. Allele origin: germline. Not counted in ClinVar's aggregate classification.
Comment: The p.Q1111* pathogenic mutation (also known as c.3331C>T), located in coding exon 9 of the BRCA1 gene, results from a C to T substitution at nucleotide position 3331. This changes the amino acid from a glutamine to a stop codon within coding exon 9. This alteration is expected to result in loss of function by premature protein truncation or nonsense-mediated mRNA decay. As such, this alteration is interpreted as a disease-causing mutation.

Labcorp Genetics (formerly Invitae), Labcorp
Classification: Pathogenic for Hereditary breast ovarian cancer syndrome. Last evaluated: 2022-10-29. Review status: criteria provided, single submitter. Criteria: Invitae Variant Classification Sherloc (09022015). Collection method: clinical testing. Allele origin: germline. Not counted in ClinVar's aggregate classification.
Comment: This sequence change creates a premature translational stop signal (p.Gln1111*) in the BRCA1 gene. It is expected to result in an absent or disrupted protein product. Loss-of-function variants in BRCA1 are known to be pathogenic (PMID: 20104584). For these reasons, this variant has been classified as Pathogenic. ClinVar contains an entry for this variant (Variation ID: 54845). This premature translational stop signal has been observed in individual(s) with breast cancer (PMID: 12566964, 16168118). This variant is present in population databases (rs80357089, gnomAD 0.006%).

GeneDx
Classification: Pathogenic. Last evaluated: 2022-01-25. Review status: criteria provided, single submitter. Criteria: GeneDx Variant Classification Process June 2021. Collection method: clinical testing. Allele origin: germline. Affected: yes. Not counted in ClinVar's aggregate classification.
Comment: Nonsense variant predicted to result in protein truncation or nonsense mediated decay in a gene for which loss-of-function is a known mechanism of disease; Observed in individuals with a personal and/or family history of breast cancer (Pohlreich 2003, Pohlreich 2005); Truncating variants in this gene are considered pathogenic by a well-established clinical consortium and/or database; Not observed at a significant frequency in large population cohorts (gnomAD); Also known as 3450C>T; This variant is associated with the following publications: (PMID: 12566964, 16168118, 29446198, 30720243, 33552952)

Consortium of Investigators of Modifiers of BRCA1/2 (CIMBA), c/o University of Cambridge
Classification: Pathogenic for Breast-ovarian cancer, familial, susceptibility to, 1. Last evaluated: 2015-10-02. Review status: criteria provided, single submitter. Criteria: CIMBA Mutation Classification guidelines May 2016. Collection method: clinical testing. Allele origin: germline. Not counted in ClinVar's aggregate classification.

Laboratory for Molecular Medicine, Mass General Brigham Personalized Medicine
Classification: Pathogenic for Hereditary breast ovarian cancer syndrome. Last evaluated: 2015-03-23. Review status: criteria provided, single submitter. Criteria: LMM Criteria. Collection method: clinical testing. Allele origin: germline. Inheritance: Autosomal dominant inheritance. Observed: 2 variant alleles. Not counted in ClinVar's aggregate classification.
Comment: Th is nonsense variant leads to a premature termination codon at position 1111, whi ch is predicted to lead to a truncated or absent protein. Heterozygous loss of B RCA1 function an established disease mechanism in hereditary breast and ovarian cancer (HBOC). In summary, this variant meets our criteria to be classified as p athogenic for HBOC in an autosomal dominant manner based upon the predicted impa ct to the protein and absence from controls.

Breast Cancer Information Core (BIC) (BRCA1)
Classification: Pathogenic for Breast-ovarian cancer, familial 1. Last evaluated: 1999-04-12. Review status: no assertion criteria provided. Collection method: clinical testing. Allele origin: germline. Affected: yes. Observed: 3 variant alleles. Not counted in ClinVar's aggregate classification.

Literature cited by the submitters: PubMed 20104584 (cited by Labcorp Genetics (formerly Invitae), Labcorp); PubMed 12566964 (cited by Labcorp Genetics (formerly Invitae), Labcorp and Breast Cancer Information Core (BIC) (BRCA1)); PubMed 16168118 (cited by Labcorp Genetics (formerly Invitae), Labcorp and Laboratory for Molecular Medicine, Mass General Brigham Personalized Medicine); PubMed 10923033 (cited by Laboratory for Molecular Medicine, Mass General Brigham Personalized Medicine).

NM_007294.4(BRCA1):c.3331C>T (p.Gln1111Ter)

Genes: BRCA1 (BRCA1 DNA repair associated; minus strand), LOC126862571 (BRD4-independent group 4 enhancer GRCh37_chr17:41243136-41244335; plus strand). Cytogenetic location: 17q21.31.
Variant type: single nucleotide variant.
Coding change: c.3331C>T on transcript NM_007294.4 (MANE Select); coding-DNA position 3331, C replaced by T.
Protein change: p.Gln1111Ter; replaces glutamine 1111 with a stop codon.
Molecular consequence: nonsense. On other transcripts: intron variant (137).
Genome position (GRCh38, 1-based): chr17:43,092,200, G>A on the plus strand (C>T on the coding strand, the complement: BRCA1 is on the minus strand). VCF-style: chr17-43092200-G-A. GRCh37 (hg19) VCF-style: chr17-41244217-G-A.
Other names: c.647-1168C>T (NM_001408458.1, NM_001408469.1, NM_001408453.1 and 11 more transcripts); c.284-1168C>T (NM_001408512.1); c.407-1168C>T (NM_001408510.1); c.644-1168C>T (NM_001408470.1, NM_001408464.1, NM_001408468.1 and 3 more transcripts); c.785-1168C>T (NM_001408397.1, NM_001408401.1, NM_001408396.1 and 13 more transcripts); c.665-1168C>T (NM_001408436.1, NM_001408444.1, NM_001408438.1 and 12 more transcripts); c.788-1168C>T (NM_001407980.1, NM_001407993.1, NM_001407976.1 and 17 more transcripts); c.653-1168C>T (NM_001408451.1); and 41 more; short protein forms Q1111*, Q1064*, Q1000*, Q1022*, Q1085*, Q943*, Q1041*, Q1043*.
Identifiers: ClinVar variation 54845 (VCV000054845.18), dbSNP rs80357089, ClinGen allele CA002158.
Genomic context (GRCh38, chr17:43,092,200, plus strand): 5'-CTGAAATCAGATATGGAGAGAAATCTGTATTAACAGTCTGAACTACTTCTTCATATTCTT[G>A]CTTTTTTATTTCAGGATGCTTACAATTACTTCCAGGAAGACTTTGTTTATAGACCTCAGG-3'